The following is an entry in ClinVar:

NM_000053.4(ATP7B):c.3613G>A (p.Ala1205Thr)

Gene: ATP7B (ATPase copper transporting beta; minus strand). Cytogenetic location: 13q14.3.
Variant type: single nucleotide variant.
Coding change: c.3613G>A on transcript NM_000053.4 (MANE Select); coding-DNA position 3613, G replaced by A.
Protein change: p.Ala1205Thr; replaces alanine 1205 with threonine.
Molecular consequence: missense variant.
Genome position (GRCh38, 1-based): chr13:51,939,137, C>T on the plus strand (G>A on the coding strand, the complement: ATP7B is on the minus strand). VCF-style: chr13-51939137-C-T. GRCh37 (hg19) VCF-style: chr13-52513273-C-T.
Other names: c.2992G>A, p.Ala998Thr (NM_001005918.3); c.3280G>A, p.Ala1094Thr (NM_001243182.2); c.3379G>A, p.Ala1127Thr (NM_001330578.2, NM_001406527.1, NM_001406528.1); c.3361G>A, p.Ala1121Thr (NM_001330579.2, NM_001406531.1, NM_001406532.1); c.3613G>A, p.Ala1205Thr (NM_001406511.1, NM_001406512.1, NM_001406526.1); c.3607G>A, p.Ala1203Thr (NM_001406513.1); c.3580G>A, p.Ala1194Thr (NM_001406514.1); c.3559G>A, p.Ala1187Thr (NM_001406515.1, NM_001406516.1); and 20 more; short protein forms A1011T, A1041T, A1043T, A1056T, A1062T, A1079T, A1092T, A1094T.
Identifiers: ClinVar variation 3072663 (VCV003072663.1), dbSNP rs2547583940, ClinGen allele CA388024279.

ClinVar aggregate classification (germline): Uncertain significance (1 of 4 stars; one submission).

Conditions:
Wilson disease (WND). Also called: Wilson's disease. Identifiers: Orphanet 905, MedGen C0019202, MONDO:0010200, OMIM 277900. Disease mechanism: loss of function.

Submission:

All of Us Research Program, National Institutes of Health
Classification: Uncertain significance for Wilson disease. Last evaluated: 2023-08-15. Review status: criteria provided, single submitter. Criteria: ACMG Guidelines, 2015. Collection method: clinical testing. Allele origin: germline. Inheritance: Autosomal recessive inheritance. Observed: 1 variant allele, 1 heterozygote.
Comment: This missense variant replaces alanine with threonine at codon 1205 of the ATP7B protein. Computational prediction suggests that this variant may have deleterious impact on protein structure and function (internally defined REVEL score threshold >= 0.7, PMID: 27666373). To our knowledge, functional studies have not been reported for this variant. This variant has not been reported in individuals affected with ATP7B-related disorders in the literature. This variant has not been identified in the general population by the Genome Aggregation Database (gnomAD). The available evidence is insufficient to determine the role of this variant in disease conclusively. Therefore, this variant is classified as a Variant of Uncertain Significance.

This study involves interpretation of variants in research participants for the purpose of population health screening. Participant phenotype was not available at the time of variant classification. Additional details can be found in publication PMID: 35346344, PMCID: PMC8962531